The following is an entry in ClinVar:

ClinVar aggregate classification (germline): Uncertain significance. Review status: criteria provided, multiple submitters, no conflicts (2 of 4 stars). 2 submissions from 2 submitters: Uncertain significance (2). Last evaluated 2024-09-10.

Conditions:
Gorlin syndrome. Also called: Nevoid Basal Cell Carcinoma Syndrome; Basal cell nevus syndrome. Identifiers: Orphanet 377, MedGen C0004779, MONDO:0007187.
Hereditary cancer-predisposing syndrome. Also called: Neoplastic Syndromes, Hereditary; Tumor predisposition; Hereditary Cancer Syndrome; Hereditary neoplastic syndrome. Identifiers: Orphanet 140162, MedGen C0027672, MeSH D009386, MONDO:0015356.

Submissions (2):

Labcorp Genetics (formerly Invitae), Labcorp
Classification: Uncertain significance for Gorlin syndrome. Last evaluated: 2024-09-10. Review status: criteria provided, single submitter. Criteria: Invitae Variant Classification Sherloc (09022015). Collection method: clinical testing. Allele origin: germline.
Comment: This sequence change affects an acceptor splice site in intron 22 of the PTCH1 gene. While this variant is not anticipated to result in nonsense mediated decay, it likely alters RNA splicing and results in a disrupted protein product. This variant is not present in population databases (gnomAD no frequency). This variant has not been reported in the literature in individuals affected with PTCH1-related conditions. ClinVar contains an entry for this variant (Variation ID: 1735101). Variants that disrupt the consensus splice site are a relatively common cause of aberrant splicing (PMID: 17576681, 9536098). Algorithms developed to predict the effect of sequence changes on RNA splicing suggest that this variant may disrupt the consensus splice site. In summary, the available evidence is currently insufficient to determine the role of this variant in disease. Therefore, it has been classified as a Variant of Uncertain Significance.

Ambry Genetics
Classification: Uncertain significance for Hereditary cancer-predisposing syndrome. Last evaluated: 2024-06-18. Review status: criteria provided, single submitter. Criteria: Ambry Variant Classification Scheme 2023. Collection method: clinical testing. Allele origin: germline.
Comment: The c.3805-2A>G intronic variant results from an A to G substitution two nucleotides upstream from coding exon 23 in the PTCH1 gene. This alteration occurs at the 3' terminus of the PTCH1 gene and is not expected to trigger nonsense-mediated mRNA decay. The exact functional effect of this alteration is unknown. This nucleotide position is highly conserved in available vertebrate species. In silico splice site analysis predicts that this alteration will weaken the native splice acceptor site. RNA studies have demonstrated that this alteration results in an splice defect; however the clinical impact of this abnormal splicing is unknown at this time (Ambry internal data). Based on the available evidence, the clinical significance of this variant remains unclear.

Literature cited by the submitters: PubMed 17576681 (cited by Labcorp Genetics (formerly Invitae), Labcorp); PubMed 9536098 (cited by Labcorp Genetics (formerly Invitae), Labcorp).

NM_000264.5(PTCH1):c.3805-2A>G

Gene: PTCH1 (patched 1; minus strand). Cytogenetic location: 9q22.32.
Variant type: single nucleotide variant.
Coding change: c.3805-2A>G on transcript NM_000264.5 (MANE Select); the canonical splice acceptor site of the intron before coding-DNA position 3805, A replaced by G.
Molecular consequence: splice acceptor variant.
Genome position (GRCh38, 1-based): chr9:95,447,453, T>C on the plus strand (A>G on the coding strand, the complement: PTCH1 is on the minus strand). VCF-style: chr9-95447453-T-C. GRCh37 (hg19) VCF-style: chr9-98209735-T-C.
Other names: c.3802-2A>G (NM_001083603.3); c.3607-2A>G (NM_001083602.3); c.3649-2A>G (NM_001354918.2); c.3352-2A>G (NM_001083605.3, NM_001083604.3, NM_001083606.3 and 1 more transcripts).
Identifiers: ClinVar variation 1735101 (VCV001735101.6), dbSNP rs2538003530, ClinGen allele CA374110893.
Genomic context (GRCh38, chr9:95,447,453, plus strand): 5'-AGGTGGGGCTGCTGTCTCGGGTTCGAGGGTGGGTGATGCCTGGATTCGGGATGGACCACC[T>C]GCAGAGGGTGAGGGTGGGTTAGAAGGGTGGTATCCCAGGCTGGGCATGGTCCCCGCAGCT-3'